The following is an entry in ClinVar:

NM_006118.4(HAX1):c.316+19G>A

Gene: HAX1 (HCLS1 associated protein X-1; plus strand). Cytogenetic location: 1q21.3.
Variant type: single nucleotide variant.
Coding change: c.316+19G>A on transcript NM_006118.4 (MANE Select); 19 bases into the intron after coding-DNA position 316, G replaced by A.
Molecular consequence: intron variant.
Genome position (GRCh38, 1-based): chr1:154,273,617, G>A. VCF-style: chr1-154273617-G-A. GRCh37 (hg19) VCF-style: chr1-154246093-G-A.
Other names: c.172+19G>A (NM_001018837.2).
Identifiers: ClinVar variation 510614 (VCV000510614.4), dbSNP rs747989063, ClinGen allele CA1127302.

ClinVar aggregate classification (germline): Likely benign. Review status: criteria provided, multiple submitters, no conflicts (2 of 4 stars). 2 submissions from 2 submitters: Likely benign (2). Last evaluated 2025-08-01.

Conditions:
Kostmann syndrome (SCN3). Also called: Autosomal recessive severe congenital neutropenia type 3; KOSTMANN DISEASE. Identifiers: Orphanet 99749, MedGen C5235141, MONDO:0012548, OMIM 610738.

Allele frequency attached by ClinVar (database versions not stated): gnomAD 0.00001; TOPMed 0.00005; ExAC 0.00007.
gnomAD v4.1: 28 of 1,613,490 alleles (0.0017%); highest among the groups gnomAD compares: Admixed American, 0.028%; no homozygotes.

Submissions (2):

Labcorp Genetics (formerly Invitae), Labcorp
Classification: Likely benign for Kostmann syndrome. Last evaluated: 2025-08-01. Review status: criteria provided, single submitter. Criteria: Invitae Variant Classification Sherloc (09022015). Collection method: clinical testing. Allele origin: germline.

GeneDx
Classification: Likely benign. Last evaluated: 2017-06-28. Review status: criteria provided, single submitter. Criteria: GeneDx Variant Classification (06012015). Collection method: clinical testing. Allele origin: germline. Affected: yes.
Comment: This variant is considered likely benign or benign based on one or more of the following criteria: it is a conservative change, it occurs at a poorly conserved position in the protein, it is predicted to be benign by multiple in silico algorithms, and/or has population frequency not consistent with disease.